The following is an entry in ClinVar:

ClinVar aggregate classification (germline): Uncertain significance (1 of 4 stars; one submission).

Conditions:
Alpha thalassemia-X-linked intellectual disability syndrome (ATRX). Also called: ALPHA-THALASSEMIA/MENTAL RETARDATION SYNDROME, X-LINKED; ATR, NONDELETION TYPE; ATR-X syndrome; Alpha thalassemia mental retardation syndrome, nondeletion type, X-linked; XLMR hypotonic face syndrome; X-linked alpha-thalassemia-mental retardation syndrome. Identifiers: Orphanet 847, MedGen C1845055, MONDO:0010519, OMIM 301040.

Submission:

Labcorp Genetics (formerly Invitae), Labcorp
Classification: Uncertain significance for Alpha thalassemia-X-linked intellectual disability syndrome. Last evaluated: 2024-11-11. Review status: criteria provided, single submitter. Criteria: Invitae Variant Classification Sherloc (09022015). Collection method: clinical testing. Allele origin: germline.
Comment: This sequence change replaces proline, which is neutral and non-polar, with serine, which is neutral and polar, at codon 667 of the ATRX protein (p.Pro667Ser). This variant is not present in population databases (gnomAD no frequency). This variant has not been reported in the literature in individuals affected with ATRX-related conditions. ClinVar contains an entry for this variant (Variation ID: 1966217). Invitae Evidence Modeling of protein sequence and biophysical properties (such as structural, functional, and spatial information, amino acid conservation, physicochemical variation, residue mobility, and thermodynamic stability) indicates that this missense variant is not expected to disrupt ATRX protein function with a negative predictive value of 95%. In summary, the available evidence is currently insufficient to determine the role of this variant in disease. Therefore, it has been classified as a Variant of Uncertain Significance.

NM_000489.6(ATRX):c.1999C>T (p.Pro667Ser)

Gene: ATRX (ATRX chromatin remodeler; minus strand). Cytogenetic location: Xq21.1.
Variant type: single nucleotide variant.
Coding change: c.1999C>T on transcript NM_000489.6 (MANE Select); coding-DNA position 1999, C replaced by T.
Protein change: p.Pro667Ser; replaces proline 667 with serine.
Molecular consequence: missense variant.
Genome position (GRCh38, 1-based): chrX:77,683,257, G>A on the plus strand (C>T on the coding strand, the complement: ATRX is on the minus strand). VCF-style: chrX-77683257-G-A. GRCh37 (hg19) VCF-style: chrX-76938749-G-A.
Other names: c.1885C>T, p.Pro629Ser (NM_138270.5); short protein forms P667S, P629S.
Identifiers: ClinVar variation 1966217 (VCV001966217.5), dbSNP rs2071354947, ClinGen allele CA413715009.
Genomic context (GRCh38, chrX:77,683,257, plus strand): 5'-CCTTAACTGTTTCATTACATTCTTCATCTGAATTAGATGTTACAGGGTTAGTTTCTGTCG[G>A]TCGCCTCAAGGGTGTAGTCTTTACACGTGGGGATCTTCGAAGATCAGATTCCTCTAAAAG-3'
Protein context (NP_000480.3, residues 657-677): PRVKTTPLRR[Pro667Ser]TETNPVTSNS